The following is an entry in ClinVar:

ClinVar aggregate classification (germline): Uncertain significance (1 of 4 stars; one submission).

Conditions:
Focal segmental glomerulosclerosis 5 (FSGS5). Identifiers: Orphanet 656, MedGen C2750475, MONDO:0013191, OMIM 613237.
Charcot-Marie-Tooth disease dominant intermediate E. Also called: CHARCOT-MARIE-TOOTH NEUROPATHY WITH FOCAL SEGMENTAL GLOMERULONEPHRITIS. Identifiers: Orphanet 93114, MedGen C4302667, MONDO:0013758, OMIM 614455.

Submission:

Labcorp Genetics (formerly Invitae), Labcorp
Classification: Uncertain significance for Charcot-Marie-Tooth disease dominant intermediate E; Focal segmental glomerulosclerosis 5. Last evaluated: 2022-12-20. Review status: criteria provided, single submitter. Criteria: Invitae Variant Classification Sherloc (09022015). Collection method: clinical testing. Allele origin: germline.
Comment: In summary, the available evidence is currently insufficient to determine the role of this variant in disease. Therefore, it has been classified as a Variant of Uncertain Significance. Advanced modeling of protein sequence and biophysical properties (such as structural, functional, and spatial information, amino acid conservation, physicochemical variation, residue mobility, and thermodynamic stability) performed at Invitae indicates that this missense variant is not expected to disrupt INF2 protein function. This variant has not been reported in the literature in individuals affected with INF2-related conditions. This variant is not present in population databases (gnomAD no frequency). This sequence change replaces serine, which is neutral and polar, with asparagine, which is neutral and polar, at codon 638 of the INF2 protein (p.Ser638Asn).

NM_022489.4(INF2):c.1913G>A (p.Ser638Asn)

Gene: INF2 (inverted formin 2; plus strand). Cytogenetic location: 14q32.33.
Variant type: single nucleotide variant.
Coding change: c.1913G>A on transcript NM_022489.4 (MANE Select); coding-DNA position 1913, G replaced by A.
Protein change: p.Ser638Asn; replaces serine 638 with asparagine.
Molecular consequence: missense variant.
Genome position (GRCh38, 1-based): chr14:104,708,696, G>A. VCF-style: chr14-104708696-G-A. GRCh37 (hg19) VCF-style: chr14-105175033-G-A.
Other names: c.1913G>A, p.Ser638Asn (NM_001031714.4, NM_001426862.1, NM_001426863.1 and 2 more transcripts); short protein forms S638N.
Identifiers: ClinVar variation 2928742 (VCV002928742.3), dbSNP rs2541926350, ClinGen allele CA391219048.